The following is an entry in ClinVar:

ClinVar aggregate classification (germline): Uncertain significance. Review status: criteria provided, multiple submitters, no conflicts (2 of 4 stars). 2 submissions from 2 submitters: Uncertain significance (2). Last evaluated 2025-04-17.

Conditions:
TTN-related disorder. Also called: TTN-related disorders; TTN-related condition; TTN-related disease.

gnomAD v4.1: 9 of 1,613,216 alleles (0.00056%); highest among the groups gnomAD compares: African/African-American, 0.012%; no homozygotes.

Submissions (2):

PreventionGenetics, part of Exact Sciences
Classification: Uncertain significance for TTN-related condition. Last evaluated: 2025-04-17. Review status: criteria provided, single submitter. Criteria: ACMG Guidelines, 2015. Collection method: clinical testing. Allele origin: germline.
Comment: The TTN c.12455A>G variant is predicted to result in the amino acid substitution p.Asp4152Gly. To our knowledge, this variant has not been reported in the literature. This variant is reported in 0.016% of alleles in individuals of African descent in gnomAD. At this time, the clinical significance of this variant is uncertain due to the absence of conclusive functional and genetic evidence.

GeneDx
Classification: Uncertain significance. Last evaluated: 2024-09-27. Review status: criteria provided, single submitter. Criteria: GeneDx Variant Classification Process June 2021. Collection method: clinical testing. Allele origin: germline. Affected: yes.
Comment: Not observed at significant frequency in large population cohorts (gnomAD); Missense variant in a gene in which most reported pathogenic variants are truncating/loss of function; Has not been previously published as pathogenic or benign to our knowledge

NM_001267550.2(TTN):c.11311+3179A>G

Gene: TTN (titin; minus strand). Cytogenetic location: 2q31.2.
Variant type: single nucleotide variant.
Coding change: c.11311+3179A>G on transcript NM_001267550.2 (MANE Select); 3179 bases into the intron after coding-DNA position 11311, A replaced by G.
Molecular consequence: intron variant. On other transcripts: missense variant (1).
Genome position (GRCh38, 1-based): chr2:178,749,945, T>C on the plus strand (A>G on the coding strand, the complement: TTN is on the minus strand). VCF-style: chr2-178749945-T-C. GRCh37 (hg19) VCF-style: chr2-179614672-T-C.
Other names: c.12455A>G, p.Asp4152Gly (NM_133379.5); c.10222+3179A>G (NM_003319.4); c.10798+3179A>G (NM_133437.4); c.10597+3179A>G (NM_133432.3); c.10360+3179A>G (NM_133378.4, NM_001256850.1); short protein forms D4152G.
Identifiers: ClinVar variation 3774968 (VCV003774968.2).
Genomic context (GRCh38, chr2:178,749,945, plus strand): 5'-TCTCTACACCTGGCATGCTTTGGCATTTCTTGTAACATTTTTGGTGGTTCATTAGTAATA[T>C]CAGACAAAAATACAAATCTGTGTTTTGGTGATTGAGTAACTTGATCTTGAGGCATTGCTT-3'